The following is an entry in ClinVar:

NM_206933.4(USH2A):c.1438G>A (p.Val480Ile)

Gene: USH2A (usherin; minus strand). Cytogenetic location: 1q41.
Variant type: single nucleotide variant.
Coding change: c.1438G>A on transcript NM_206933.4 (MANE Select); coding-DNA position 1438, G replaced by A.
Protein change: p.Val480Ile; replaces valine 480 with isoleucine.
Molecular consequence: missense variant.
Genome position (GRCh38, 1-based): chr1:216,323,586, C>T on the plus strand (G>A on the coding strand, the complement: USH2A is on the minus strand). VCF-style: chr1-216323586-C-T. GRCh37 (hg19) VCF-style: chr1-216496928-C-T.
Other names: c.1438G>A (NM_206933.3); c.1438G>A, p.Val480Ile (NM_007123.6); short protein forms V480I.
Identifiers: ClinVar variation 285799 (VCV000285799.19), dbSNP rs138694314, ClinGen allele CA1396521.
Genomic context (GRCh38, chr1:216,323,586, plus strand): 5'-CAGCAGTCTCAGTTGTATAGTACTGCCCATGAAAATGAAACCTTATTTGCGTGGCTTTTA[C>T]GAACTCTTGAAGAGATGGGGTATTATAGAAGTTATTGTATCCAGGACGATAATTTGGTCC-3'
Protein context (NP_996816.3, residues 470-490): FYNTPSLQEF[Val480Ile]KATQIRFHFH

ClinVar aggregate classification (germline): Uncertain significance. Review status: criteria provided, multiple submitters, no conflicts (2 of 4 stars). 11 submissions from 9 submitters: Uncertain significance (10). 1 of the submissions does not count toward it. Last evaluated 2026-08-11.

Conditions:
USH2A-related disorder. Also called: USH2A-related disorders; USH2A-related condition. Identifiers: MedGen CN239332.
Usher syndrome type 2A. Also called: RETINAL DISEASE IN USHER SYNDROME TYPE IIA, MODIFIER OF; USHER SYNDROME, TYPE IIA. Identifiers: Orphanet 231178, Orphanet 886, MedGen C1848634, MONDO:0010169, OMIM 276901.
Retinitis pigmentosa 39 (RP39). Identifiers: Orphanet 791, MedGen C3151138, MONDO:0013436, OMIM 613809.
Retinitis pigmentosa (RP). Identifiers: Orphanet 791, MedGen C0035334, MeSH D012174, MONDO:0019200, OMIM 268000. Inheritance: Autosomal dominant, autosomal recessive and X linked inheritance.

Allele frequency attached by ClinVar (database versions not stated): gnomAD exomes 0.00005; ExAC 0.00006; gnomAD 0.00006 and 0.00007; TOPMed 0.00007; ESP Exome Variant Server 0.00008.
gnomAD v4.1: 103 of 1,613,458 alleles (0.0064%); highest among the groups gnomAD compares: Admixed American, 0.017%; 1 homozygote.

Submissions (11):

PreventionGenetics, part of Exact Sciences
Classification: Uncertain significance for USH2A-related condition. Last evaluated: 2026-08-11. Review status: criteria provided, single submitter. Criteria: ACMG Guidelines, 2015. Collection method: clinical testing. Allele origin: germline.
Comment: The USH2A c.1438G>A variant is predicted to result in the amino acid substitution p.Val480Ile. To our knowledge, this variant has not been reported in the literature. This variant is present in 0.016% of alleles in individuals of East Asian descent in gnomAD. At this time, the clinical significance of this variant is uncertain due to the absence of conclusive functional and genetic evidence.

Revvity Omics, Revvity
Classification: Uncertain significance. Last evaluated: 2025-03-25. Review status: criteria provided, single submitter. Criteria: ACMG Guidelines, 2015. Collection method: clinical testing. Allele origin: germline.

Blueprint Genetics
Classification: Uncertain significance. Last evaluated: 2024-11-11. Review status: criteria provided, single submitter. Criteria: ACMG Guidelines, 2015. Collection method: clinical testing. Allele origin: germline.

Genome-Nilou Lab
Classification: Uncertain significance for Retinitis pigmentosa 39. Last evaluated: 2023-11-04. Review status: criteria provided, single submitter. Criteria: ACMG Guidelines, 2015. Collection method: clinical testing. Allele origin: germline. Affected: no.

Genome-Nilou Lab
Classification: Uncertain significance for Usher syndrome type 2A. Last evaluated: 2023-11-04. Review status: criteria provided, single submitter. Criteria: ACMG Guidelines, 2015. Collection method: clinical testing. Allele origin: germline. Affected: no.

Labcorp Genetics (formerly Invitae), Labcorp
Classification: Uncertain significance. Last evaluated: 2022-09-12. Review status: criteria provided, single submitter. Criteria: Invitae Variant Classification Sherloc (09022015). Collection method: clinical testing. Allele origin: germline.
Comment: This sequence change replaces valine, which is neutral and non-polar, with isoleucine, which is neutral and non-polar, at codon 480 of the USH2A protein (p.Val480Ile). This variant is present in population databases (rs138694314, gnomAD 0.01%). This missense change has been observed in individual(s) with USH2A-related conditions (Invitae). ClinVar contains an entry for this variant (Variation ID: 285799). Advanced modeling of protein sequence and biophysical properties (such as structural, functional, and spatial information, amino acid conservation, physicochemical variation, residue mobility, and thermodynamic stability) performed at Invitae indicates that this missense variant is not expected to disrupt USH2A protein function. In summary, the available evidence is currently insufficient to determine the role of this variant in disease. Therefore, it has been classified as a Variant of Uncertain Significance.

Department of Pathology and Laboratory Medicine, Sinai Health System
Classification: Uncertain significance for Usher syndrome type 2A; Retinitis pigmentosa 39. Last evaluated: 2021-12-07. Review status: criteria provided, single submitter. Criteria: ACMG Guidelines, 2015. Collection method: research. Allele origin: germline.

Illumina Laboratory Services, Illumina
Classification: Uncertain significance for Retinitis pigmentosa. Last evaluated: 2018-01-13. Review status: criteria provided, single submitter. Criteria: ICSL Variant Classification Criteria 13 December 2019. Collection method: clinical testing. Allele origin: germline.

Illumina Laboratory Services, Illumina
Classification: Uncertain significance for Usher syndrome type 2A. Last evaluated: 2018-01-13. Review status: criteria provided, single submitter. Criteria: ICSL Variant Classification Criteria 13 December 2019. Collection method: clinical testing. Allele origin: germline.

Eurofins Ntd Llc (ga)
Classification: Uncertain significance. Last evaluated: 2016-02-05. Review status: criteria provided, single submitter. Criteria: EGL Classification Definitions 2015. Collection method: clinical testing. Allele origin: germline. Observed: 1 variant allele, 1 heterozygote.

Natera, Inc.
Classification: Uncertain significance for Usher syndrome type 2A. Last evaluated: 2019-11-11. Review status: no assertion criteria provided. Collection method: clinical testing. Allele origin: germline. Not counted in ClinVar's aggregate classification.